The following is an entry in ClinVar:

NM_015338.6(ASXL1):c.3635C>G (p.Ser1212Cys)

Gene: ASXL1 (ASXL transcriptional regulator 1; plus strand). Cytogenetic location: 20q11.21.
Variant type: single nucleotide variant.
Coding change: c.3635C>G on transcript NM_015338.6 (MANE Select); coding-DNA position 3635, C replaced by G.
Protein change: p.Ser1212Cys; replaces serine 1212 with cysteine.
Molecular consequence: missense variant.
Genome position (GRCh38, 1-based): chr20:32,436,347, C>G. VCF-style: chr20-32436347-C-G. GRCh37 (hg19) VCF-style: chr20-31024150-C-G.
Other names: c.3452C>G, p.Ser1151Cys (NM_001363734.1); short protein forms S1151C, S1212C.
Identifiers: ClinVar variation 3791759 (VCV003791759.1).

ClinVar aggregate classification (germline): Uncertain significance (1 of 4 stars; one submission).

Conditions:
Inborn genetic diseases. Identifiers: MedGen C0950123, MeSH D030342.

gnomAD v4.1: 2 of 1,613,818 alleles (0.00012%); highest among the groups gnomAD compares: Non-Finnish European, 0.00017%; no homozygotes.

Submission:

Ambry Genetics
Classification: Uncertain significance for Inborn genetic diseases. Last evaluated: 2024-12-29. Review status: criteria provided, single submitter. Criteria: Ambry Variant Classification Scheme 2023. Collection method: clinical testing. Allele origin: germline.
Comment: The p.S1212C variant (also known as c.3635C>G), located in coding exon 13 of the ASXL1 gene, results from a C to G substitution at nucleotide position 3635. The serine at codon 1212 is replaced by cysteine, an amino acid with dissimilar properties. This amino acid position is conserved. In addition, this alteration is predicted to be tolerated by in silico analysis. Based on the available evidence, the clinical significance of this variant remains unclear.